The following is an entry in ClinVar:

ClinVar aggregate classification (germline): Uncertain significance (1 of 4 stars; one submission).

Allele frequency attached by ClinVar (database versions not stated): gnomAD exomes below 0.00001; ExAC 0.00003.

Submission:

Labcorp Genetics (formerly Invitae), Labcorp
Classification: Uncertain significance. Last evaluated: 2022-05-19. Review status: criteria provided, single submitter. Criteria: Invitae Variant Classification Sherloc (09022015). Collection method: clinical testing. Allele origin: germline.
Comment: This sequence change replaces glutamine, which is neutral and polar, with arginine, which is basic and polar, at codon 168 of the GNAT1 protein (p.Gln168Arg). This variant is present in population databases (rs773081995, gnomAD 0.01%). This variant has not been reported in the literature in individuals affected with GNAT1-related conditions. Algorithms developed to predict the effect of missense changes on protein structure and function are either unavailable or do not agree on the potential impact of this missense change (SIFT: "Deleterious"; PolyPhen-2: "Probably Damaging"; Align-GVGD: "Class C0"). In summary, the available evidence is currently insufficient to determine the role of this variant in disease. Therefore, it has been classified as a Variant of Uncertain Significance.

NM_144499.3(GNAT1):c.503A>G (p.Gln168Arg)

Gene: GNAT1 (G protein subunit alpha transducin 1; plus strand). Cytogenetic location: 3p21.31.
Variant type: single nucleotide variant.
Coding change: c.503A>G on transcript NM_144499.3 (MANE Select); coding-DNA position 503, A replaced by G.
Protein change: p.Gln168Arg; replaces glutamine 168 with arginine.
Molecular consequence: missense variant.
Genome position (GRCh38, 1-based): chr3:50,193,806, A>G. VCF-style: chr3-50193806-A-G. GRCh37 (hg19) VCF-style: chr3-50231239-A-G.
Other names: c.503A>G, p.Gln168Arg (NM_000172.4); short protein forms Q168R.
Identifiers: ClinVar variation 1996395 (VCV001996395.4), dbSNP rs773081995, ClinGen allele CA2412620.